The following is an entry in ClinVar:

ClinVar aggregate classification (germline): Uncertain significance (1 of 4 stars; one submission).

Conditions:
Beckwith-Wiedemann syndrome (BWS). Also called: EMG SYNDROME; Exomphalos macroglossia gigantism syndrome. Identifiers: Orphanet 116, MedGen C0004903, MONDO:0007534, OMIM 130650.

Submission:

Labcorp Genetics (formerly Invitae), Labcorp
Classification: Uncertain significance for Beckwith-Wiedemann syndrome. Last evaluated: 2022-03-10. Review status: criteria provided, single submitter. Criteria: Invitae Variant Classification Sherloc (09022015). Collection method: clinical testing. Allele origin: germline.
Comment: This sequence change replaces proline, which is neutral and non-polar, with leucine, which is neutral and non-polar, at codon 202 of the CDKN1C protein (p.Pro202Leu). The frequency data for this variant in the population databases is considered unreliable, as metrics indicate insufficient coverage at this position in the gnomAD database. This variant has not been reported in the literature in individuals affected with CDKN1C-related conditions. Algorithms developed to predict the effect of missense changes on protein structure and function are either unavailable or do not agree on the potential impact of this missense change (SIFT: "Deleterious"; PolyPhen-2: "Not Available"; Align-GVGD: "Class C0"). In summary, the available evidence is currently insufficient to determine the role of this variant in disease. Therefore, it has been classified as a Variant of Uncertain Significance.

NM_001122630.2(CDKN1C):c.572C>T (p.Pro191Leu)

Gene: CDKN1C (cyclin dependent kinase inhibitor 1C; minus strand). Cytogenetic location: 11p15.4.
Variant type: single nucleotide variant.
Coding change: c.572C>T on transcript NM_001122630.2 (MANE Select); coding-DNA position 572, C replaced by T.
Protein change: p.Pro191Leu; replaces proline 191 with leucine.
Molecular consequence: missense variant. On other transcripts: intron variant (1).
Genome position (GRCh38, 1-based): chr11:2,884,885, G>A on the plus strand (C>T on the coding strand, the complement: CDKN1C is on the minus strand). VCF-style: chr11-2884885-G-A. GRCh37 (hg19) VCF-style: chr11-2906115-G-A.
Other names: c.605C>T, p.Pro202Leu (NM_000076.2, NM_001362474.2); c.572C>T, p.Pro191Leu (NM_001122631.2); c.255+317C>T (NM_001362475.2); short protein forms P202L, P191L.
Identifiers: ClinVar variation 2201790 (VCV002201790.4), dbSNP rs2494385879, ClinGen allele CA379146335.
Genomic context (GRCh38, chr11:2,884,885, plus strand): 5'-TCTTGAGGCGCCGCGTCCGGGGCCGGGGCCGGGGCGGGGGCCGGGGCCGGGGCCGGGGCC[G>A]GGGCTGGGGCCGGGGCCGCGACTGGAGCCGGGGCCGGAGCCGGAGCCGGAGCCGGGGCCG-3'
Protein context (NP_001116102.1, residues 181-201): PAPVAAPAPA[Pro191Leu]APAPAPAPAP